The following is an entry in ClinVar:

NM_003738.5(PTCH2):c.2996T>C (p.Met999Thr)

Gene: PTCH2 (patched 2; minus strand). Cytogenetic location: 1p34.1.
Variant type: single nucleotide variant.
Coding change: c.2996T>C on transcript NM_003738.5 (MANE Select); coding-DNA position 2996, T replaced by C.
Protein change: p.Met999Thr; replaces methionine 999 with threonine.
Molecular consequence: missense variant.
Genome position (GRCh38, 1-based): chr1:44,826,368, A>G on the plus strand (T>C on the coding strand, the complement: PTCH2 is on the minus strand). VCF-style: chr1-44826368-A-G. GRCh37 (hg19) VCF-style: chr1-45292040-A-G.
Other names: c.2996T>C, p.Met999Thr (NM_001166292.2); short protein forms M999T.
Identifiers: ClinVar variation 1403837 (VCV001403837.6), dbSNP rs149189451, ClinGen allele CA340108613.

ClinVar aggregate classification (germline): Uncertain significance (1 of 4 stars; one submission).

Conditions:
Gorlin syndrome. Also called: Nevoid Basal Cell Carcinoma Syndrome; Basal cell nevus syndrome. Identifiers: Orphanet 377, MedGen C0004779, MONDO:0007187.

Allele frequency attached by ClinVar (database versions not stated): gnomAD exomes 0.00001.
gnomAD v4.1: 6 of 1,613,988 alleles (0.00037%); highest among the groups gnomAD compares: Non-Finnish European, 0.00051%; no homozygotes.

Submission:

Labcorp Genetics (formerly Invitae), Labcorp
Classification: Uncertain significance for Gorlin syndrome. Last evaluated: 2021-09-09. Review status: criteria provided, single submitter. Criteria: Invitae Variant Classification Sherloc (09022015). Collection method: clinical testing. Allele origin: germline.
Comment: In summary, the available evidence is currently insufficient to determine the role of this variant in disease. Therefore, it has been classified as a Variant of Uncertain Significance. Algorithms developed to predict the effect of missense changes on protein structure and function (SIFT, PolyPhen-2, Align-GVGD) all suggest that this variant is likely to be tolerated. This variant has not been reported in the literature in individuals affected with PTCH2-related conditions. This variant is not present in population databases (ExAC no frequency). This sequence change replaces methionine with threonine at codon 999 of the PTCH2 protein (p.Met999Thr). The methionine residue is moderately conserved and there is a moderate physicochemical difference between methionine and threonine.